The following is an entry in ClinVar:

ClinVar aggregate classification (germline): Uncertain significance (1 of 4 stars; one submission).

Conditions:
Joubert syndrome. Also called: JOUBERT-BOLTSHAUSER SYNDROME; Familial aplasia of the vermis. Identifiers: Orphanet 475, MedGen C5979921, MONDO:0018772.
Meckel-Gruber syndrome. Also called: DYSENCEPHALIA SPLANCHNOCYSTICA; GRUBER SYNDROME; Dysencephalia splachnocystica. Identifiers: Orphanet 564, MedGen C0265215, MONDO:0018921.

Submission:

Labcorp Genetics (formerly Invitae), Labcorp
Classification: Uncertain significance for Joubert syndrome; Meckel-Gruber syndrome. Last evaluated: 2022-01-06. Review status: criteria provided, single submitter. Criteria: Invitae Variant Classification Sherloc (09022015). Collection method: clinical testing. Allele origin: germline.
Comment: This variant is not present in population databases (gnomAD no frequency). In summary, the available evidence is currently insufficient to determine the role of this variant in disease. Therefore, it has been classified as a Variant of Uncertain Significance. Algorithms developed to predict the effect of missense changes on protein structure and function (SIFT, PolyPhen-2, Align-GVGD) all suggest that this variant is likely to be tolerated. This variant has not been reported in the literature in individuals affected with CC2D2A-related conditions. This sequence change replaces valine, which is neutral and non-polar, with alanine, which is neutral and non-polar, at codon 805 of the CC2D2A protein (p.Val805Ala).

NM_001378615.1(CC2D2A):c.2414T>C (p.Val805Ala)

Genes: CC2D2A (coiled-coil and C2 domain containing 2A; plus strand), FBXL5 (F-box and leucine rich repeat protein 5; minus strand). Cytogenetic location: 4p15.32.
Variant type: single nucleotide variant.
Coding change: c.2414T>C on transcript NM_001378615.1 (MANE Select); coding-DNA position 2414, T replaced by C.
Protein change: p.Val805Ala; replaces valine 805 with alanine.
Molecular consequence: missense variant.
Genome position (GRCh38, 1-based): chr4:15,553,233, T>C. VCF-style: chr4-15553233-T-C. GRCh37 (hg19) VCF-style: chr4-15554856-T-C.
Other names: c.2414T>C, p.Val805Ala (NM_001080522.2); c.2267T>C, p.Val756Ala (NM_001378617.1); short protein forms V805A, V756A.
Identifiers: ClinVar variation 2076582 (VCV002076582.4), dbSNP rs2475026233, ClinGen allele CA356419193.
Genomic context (GRCh38, chr4:15,553,233, plus strand): 5'-TTGAAGCTGATGGCAGTAACCAGCTGACTCTGATGACCTCAGGGAAAGTGTCTCATAGTG[T>C]GGCATGGGCCATTGGAGAAAACGGGATACCTTTAATTCCTCCATTGTCACAGCAGAACAT-3'
Protein context (NP_001365544.1, residues 795-815): LMTSGKVSHS[Val805Ala]AWAIGENGIP